The following is an entry in ClinVar:

ClinVar aggregate classification (germline): Pathogenic/Likely pathogenic. Review status: criteria provided, multiple submitters, no conflicts (2 of 4 stars). 2 submissions from 2 submitters: Pathogenic (1); Likely pathogenic (1). Last evaluated 2025-02-16.

Conditions:
Axenfeld-Rieger syndrome type 3 (RIEG3). Also called: AXENFELD-RIEGER ANOMALY WITH CARDIAC DEFECTS AND/OR SENSORINEURAL HEARING LOSS. Identifiers: Orphanet 782, MedGen C2678503, MONDO:0011233, OMIM 602482.

Submissions (2):

Laboratory of Genetics, Children's Clinical University Hospital Latvia
Classification: Likely pathogenic. Last evaluated: 2025-02-16. Review status: criteria provided, single submitter. Criteria: ACMG Guidelines, 2015. Collection method: clinical testing. Allele origin: germline. Affected: yes.

Labcorp Genetics (formerly Invitae), Labcorp
Classification: Pathogenic for Axenfeld-Rieger syndrome type 3. Last evaluated: 2019-12-24. Review status: criteria provided, single submitter. Criteria: Invitae Variant Classification Sherloc (09022015). Collection method: clinical testing. Allele origin: germline.
Comment: This variant has not been reported in the literature in individuals with FOXC1-related conditions. For these reasons, this variant has been classified as Pathogenic. This variant disrupts the C-terminus of the FOXC1 protein. Other variant(s) that disrupt this region (p.Ser320Argfs*81) have been determined to be pathogenic (Invitae). This suggests that variants that disrupt this region of the protein are likely to be causative of disease. The frequency data for this variant in the population databases is considered unreliable, as metrics indicate insufficient coverage at this position in the ExAC database. This sequence change results in a premature translational stop signal in the FOXC1 gene (p.Ala251Glyfs*52). While this is not anticipated to result in nonsense mediated decay, it is expected to disrupt the last 303 amino acids of the FOXC1 protein.

NM_001453.3(FOXC1):c.752_759del (p.Ala251fs)

Gene: FOXC1 (forkhead box C1; plus strand). Cytogenetic location: 6p25.3.
Variant type: Deletion.
Coding change: c.752_759del on transcript NM_001453.3 (MANE Select); coding-DNA positions 752 to 759, 8 bases deleted (CCGCCGCG; older notation c.752_759delCCGCCGCG).
Protein change: p.Ala251fs; shifts the reading frame from alanine 251.
Molecular consequence: frameshift variant.
Genome position (GRCh38, 1-based): chr6:1,611,197-1,611,204, CCGCCGCG deleted; deleting any 8 consecutive bases within chr6:1,611,194-1,611,204 gives the same sequence; the c. name uses the placement nearest the transcript's 3' end. VCF-style (leftmost placement, unchanged base first): chr6-1611193-AGCGCCGCC-A. GRCh37 (hg19) VCF-style: chr6-1611428-AGCGCCGCC-A.
Other names: short protein forms A251fs.
Identifiers: ClinVar variation 857141 (VCV000857141.10), dbSNP rs1762536800, ClinGen allele CA916082802.
Genomic context (GRCh38, chr6:1,611,193, plus strand): 5'-AACGGTACGTGCCCCTCGCCGCCCCAGCCCCTGTCCCCGGCCGCCGCCCTGGGCAGCGGC[AGCGCCGCC>A]GCGGTGCCCAAGATCGAGAGCCCCGACAGCAGCAGCAGCAGCCTGTCCAGCGGGAGCAGC-3'